The following is an entry in ClinVar:

NM_001035.3(RYR2):c.4557A>G (p.Thr1519=)

Gene: RYR2 (ryanodine receptor 2; plus strand). Cytogenetic location: 1q43.
Variant type: single nucleotide variant.
Coding change: c.4557A>G on transcript NM_001035.3 (MANE Select); coding-DNA position 4557, A replaced by G.
Protein change: p.Thr1519=; no amino-acid change (threonine 1519 retained).
Molecular consequence: synonymous variant.
Genome position (GRCh38, 1-based): chr1:237,595,618, A>G. VCF-style: chr1-237595618-A-G. GRCh37 (hg19) VCF-style: chr1-237758918-A-G.
Identifiers: ClinVar variation 2640118 (VCV002640118.24), dbSNP rs2546655606, ClinGen allele CA423820481.

ClinVar aggregate classification (germline): Likely benign (1 of 4 stars; one submission).

Submission:

CeGaT Center for Human Genetics Tuebingen
Classification: Likely benign. Last evaluated: 2023-08-01. Review status: criteria provided, single submitter. Criteria: CeGaT Center For Human Genetics Tuebingen Variant Classification Criteria Version 2. Collection method: clinical testing. Allele origin: germline. Affected: yes. Observed: 1 variant allele.
Comment: RYR2: PM2:Supporting, BP4, BP7